The following is an entry in ClinVar:

ClinVar aggregate classification (germline): Likely benign. Review status: criteria provided, multiple submitters, no conflicts (2 of 4 stars). 5 submissions from 5 submitters: Likely benign (4). 1 of the submissions does not count toward it. Last evaluated 2025-11-04.

Conditions:
Wilson disease (WND). Also called: Wilson's disease. Identifiers: Orphanet 905, MedGen C0019202, MONDO:0010200, OMIM 277900. Disease mechanism: loss of function.
ATP7B-related disorder. Also called: ATP7B-related condition.

Allele frequency attached by ClinVar (database versions not stated): gnomAD exomes below 0.00001; gnomAD 0.00001; TOPMed 0.00002.
gnomAD v4.1: 14 of 1,613,998 alleles (0.00087%); highest among the groups gnomAD compares: Middle Eastern, 0.016%; no homozygotes.

Submissions (5):

Labcorp Genetics (formerly Invitae), Labcorp
Classification: Likely benign for Wilson disease. Last evaluated: 2025-11-04. Review status: criteria provided, single submitter. Criteria: Invitae Variant Classification Sherloc (09022015). Collection method: clinical testing. Allele origin: germline.

CeGaT Center for Human Genetics Tuebingen
Classification: Likely benign. Last evaluated: 2023-06-01. Review status: criteria provided, single submitter. Criteria: CeGaT Center For Human Genetics Tuebingen Variant Classification Criteria Version 2. Collection method: clinical testing. Allele origin: germline. Affected: yes. Observed: 1 variant allele.
Comment: ATP7B: BP4, BP7

Color Diagnostics, LLC DBA Color Health
Classification: Likely benign for Wilson disease. Last evaluated: 2023-05-03. Review status: criteria provided, single submitter. Criteria: ACMG Guidelines, 2015. Collection method: clinical testing. Allele origin: germline.

GeneDx
Classification: Likely benign. Last evaluated: 2017-09-29. Review status: criteria provided, single submitter. Criteria: GeneDx Variant Classification (06012015). Collection method: clinical testing. Allele origin: germline. Affected: yes.
Comment: This variant is considered likely benign or benign based on one or more of the following criteria: it is a conservative change, it occurs at a poorly conserved position in the protein, it is predicted to be benign by multiple in silico algorithms, and/or has population frequency not consistent with disease.

PreventionGenetics, part of Exact Sciences
Classification: Likely benign for ATP7B-related condition. Last evaluated: 2019-06-19. Review status: no assertion criteria provided. Collection method: clinical testing. Allele origin: germline. Not counted in ClinVar's aggregate classification.
Comment: This variant is classified as likely benign based on ACMG/AMP sequence variant interpretation guidelines (Richards et al. 2015 PMID: 25741868, with internal and published modifications).

NM_000053.4(ATP7B):c.1428A>G (p.Ala476=)

Gene: ATP7B (ATPase copper transporting beta; minus strand). Cytogenetic location: 13q14.3.
Variant type: single nucleotide variant.
Coding change: c.1428A>G on transcript NM_000053.4 (MANE Select); coding-DNA position 1428, A replaced by G.
Protein change: p.Ala476=; no amino-acid change (alanine 476 retained).
Molecular consequence: synonymous variant.
Genome position (GRCh38, 1-based): chr13:51,970,607, T>C on the plus strand (A>G on the coding strand, the complement: ATP7B is on the minus strand). VCF-style: chr13-51970607-T-C. GRCh37 (hg19) VCF-style: chr13-52544743-T-C.
Other names: c.1428A>G, p.Ala476= (NM_001005918.3, NM_001330578.2, NM_001330579.2); c.1095A>G, p.Ala365= (NM_001243182.2).
Identifiers: ClinVar variation 512103 (VCV000512103.34), dbSNP rs914451059, ClinGen allele CA250065589.